The following is an entry in ClinVar:

ClinVar aggregate classification (germline): Uncertain significance (1 of 4 stars; one submission).

gnomAD v4.1: 1 of 1,614,168 alleles (0.000062%); highest among the groups gnomAD compares: Non-Finnish European, 0.000085%; no homozygotes.

Submission:

Women's Health and Genetics/Laboratory Corporation of America, LabCorp
Classification: Uncertain significance. Last evaluated: 2025-07-23. Review status: criteria provided, single submitter. Criteria: LabCorp Variant Classification Summary - May 2015. Collection method: clinical testing. Allele origin: germline.
Comment: Variant summary: GABRG2 c.1159T>A (p.Phe387Ile) results in a non-conservative amino acid change in the encoded protein sequence. Algorithms developed to predict the effect of missense changes on protein structure and function all suggest that this variant is likely to be disruptive. The variant was absent in 251320 control chromosomes. The available data on variant occurrences in the general population are insufficient to allow any conclusion about variant significance. To our knowledge, no occurrence of c.1159T>A in individuals affected with Developmental And Epileptic Encephalopathy, 74 and no experimental evidence demonstrating its impact on protein function have been reported. No submitters have cited clinical-significance assessments for this variant to ClinVar. Based on the evidence outlined above, the variant was classified as uncertain significance.

NM_198904.4(GABRG2):c.1039T>A (p.Phe347Ile)

Gene: GABRG2 (gamma-aminobutyric acid type A receptor subunit gamma2; plus strand). Cytogenetic location: 5q34.
Variant type: single nucleotide variant.
Coding change: c.1039T>A on transcript NM_198904.4 (MANE Select); coding-DNA position 1039, T replaced by A.
Protein change: p.Phe347Ile; replaces phenylalanine 347 with isoleucine.
Molecular consequence: missense variant. On other transcripts: intron variant (1).
Genome position (GRCh38, 1-based): chr5:162,149,224, T>A. VCF-style: chr5-162149224-T-A. GRCh37 (hg19) VCF-style: chr5-161576230-T-A.
Other names: c.1039T>A, p.Phe347Ile (NM_000816.3); c.1030T>A, p.Phe344Ile (NM_001375339.1); c.1036T>A, p.Phe346Ile (NM_001375341.1, NM_001375342.1); c.1159T>A, p.Phe387Ile (NM_001375343.1, NM_198903.2); c.1078T>A, p.Phe360Ile (NM_001375344.1); c.973T>A, p.Phe325Ile (NM_001375345.1, NM_001375346.1); c.952T>A, p.Phe318Ile (NM_001375347.1); c.619T>A, p.Phe207Ile (NM_001375348.1, NM_001375350.1); and 2 more; short protein forms F325I, F347I, F360I, F252I, F318I, F344I, F207I, F346I.
Identifiers: ClinVar variation 4526249 (VCV004526249.1).